The following is an entry in ClinVar:

ClinVar aggregate classification (germline): Benign (1 of 4 stars; one submission).

Conditions:
Sessile serrated polyposis cancer syndrome (SSPCS). Identifiers: Orphanet 157798, MedGen C4310714, MONDO:0014919, OMIM 617108.

gnomAD v4.1: 1 of 1,614,138 alleles (0.000062%); highest among the groups gnomAD compares: East Asian, 0.0022%; no homozygotes.

Submission:

Myriad Genetics, Inc.
Classification: Benign for Sessile serrated polyposis cancer syndrome. Last evaluated: 2026-07-02. Review status: criteria provided, single submitter. Criteria: Myriad Autosomal Dominant, Autosomal Recessive and X-Linked Classification Criteria (2023). Collection method: clinical testing. Allele origin: unknown.
Comment: This variant is considered benign. This variant is a silent/synonymous amino acid change and it is not expected to impact splicing.

NM_017763.6(RNF43):c.2331G>A (p.Glu777=)

Gene: RNF43 (ring finger protein 43; minus strand). Cytogenetic location: 17q22.
Variant type: single nucleotide variant.
Coding change: c.2331G>A on transcript NM_017763.6 (MANE Select); coding-DNA position 2331, G replaced by A.
Protein change: p.Glu777=; no amino-acid change (glutamic acid 777 retained).
Molecular consequence: synonymous variant.
Genome position (GRCh38, 1-based): chr17:58,354,964, C>T on the plus strand (G>A on the coding strand, the complement: RNF43 is on the minus strand). VCF-style: chr17-58354964-C-T. GRCh37 (hg19) VCF-style: chr17-56432325-C-T.
Other names: c.2331G>A, p.Glu777= (NM_001305544.3, NM_001438822.1); c.1950G>A, p.Glu650= (NM_001305545.2).
Identifiers: ClinVar variation 5042461 (VCV005042461.1).